The following is an entry in ClinVar:

ClinVar aggregate classification (germline): Pathogenic/Likely pathogenic. Review status: criteria provided, multiple submitters, no conflicts (2 of 4 stars). 2 submissions from 2 submitters: Pathogenic (1); Likely pathogenic (1). Last evaluated 2023-11-20.

Conditions:
Methylmalonic aciduria and homocystinuria type cblD (MAHCD). Also called: Methylmalonic aciduria with homocystinuria cblD type; METHYLMALONIC ACIDEMIA, cblH TYPE. Identifiers: Orphanet 622, Orphanet 79283, MedGen C1848552, MONDO:0010185, OMIM 277410.

gnomAD v4.1: 3 of 1,611,188 alleles (0.00019%); highest among the groups gnomAD compares: Non-Finnish European, 0.00017%; no homozygotes.

Submissions (2):

Baylor Genetics
Classification: Pathogenic for Methylmalonic aciduria and homocystinuria type cblD. Last evaluated: 2023-11-20. Review status: criteria provided, single submitter. Criteria: ACMG Guidelines, 2015. Collection method: clinical testing. Allele origin: unknown.

GeneDx
Classification: Likely pathogenic. Last evaluated: 2022-12-27. Review status: criteria provided, single submitter. Criteria: GeneDx Variant Classification Process June 2021. Collection method: clinical testing. Allele origin: germline. Affected: yes.
Comment: Identified in the heterozygous state in a single individual with a positive newborn screen for an unspecific conditon; furthermore, no additional clinical or segregation information was provided (Adhikari et al., 2020); Nonsense variant predicted to result in protein truncation, as the last 69 amino acids are lost, and other loss-of-function variants have been reported downstream in HGMD; Not observed at significant frequency in large population cohorts (gnomAD); This variant is associated with the following publications: (PMID: 25525159, 19058814, 33552904, 32778825)

NM_015702.3(MMADHC):c.683C>G (p.Ser228Ter)

Gene: MMADHC (metabolism of cobalamin associated D; minus strand). Cytogenetic location: 2q23.2.
Variant type: single nucleotide variant.
Coding change: c.683C>G on transcript NM_015702.3 (MANE Select); coding-DNA position 683, C replaced by G.
Protein change: p.Ser228Ter; replaces serine 228 with a stop codon.
Molecular consequence: nonsense.
Genome position (GRCh38, 1-based): chr2:149,571,098, G>C on the plus strand (C>G on the coding strand, the complement: MMADHC is on the minus strand). VCF-style: chr2-149571098-G-C. GRCh37 (hg19) VCF-style: chr2-150427612-G-C.
Other names: short protein forms S228*.
Identifiers: ClinVar variation 2507317 (VCV002507317.2), dbSNP rs751159722, ClinGen allele CA348869513.